The following is an entry in ClinVar:

ClinVar aggregate classification (germline): Uncertain significance (1 of 4 stars; one submission).

Submission:

Labcorp Genetics (formerly Invitae), Labcorp
Classification: Uncertain significance. Last evaluated: 2024-09-28. Review status: criteria provided, single submitter. Criteria: Invitae Variant Classification Sherloc (09022015). Collection method: clinical testing. Allele origin: germline.
Comment: This sequence change replaces glycine, which is neutral and non-polar, with valine, which is neutral and non-polar, at codon 485 of the MSH3 protein (p.Gly485Val). This variant is not present in population databases (gnomAD no frequency). This variant has not been reported in the literature in individuals affected with MSH3-related conditions. ClinVar contains an entry for this variant (Variation ID: 856516). An algorithm developed to predict the effect of missense changes on protein structure and function (PolyPhen-2) suggests that this variant is likely to be tolerated. In summary, the available evidence is currently insufficient to determine the role of this variant in disease. Therefore, it has been classified as a Variant of Uncertain Significance.

NM_002439.5(MSH3):c.1454G>T (p.Gly485Val)

Gene: MSH3 (mutS homolog 3; plus strand). Cytogenetic location: 5q14.1.
Variant type: single nucleotide variant.
Coding change: c.1454G>T on transcript NM_002439.5 (MANE Select); coding-DNA position 1454, G replaced by T.
Protein change: p.Gly485Val; replaces glycine 485 with valine.
Molecular consequence: missense variant.
Genome position (GRCh38, 1-based): chr5:80,728,851, G>T. VCF-style: chr5-80728851-G-T. GRCh37 (hg19) VCF-style: chr5-80024670-G-T.
Other names: short protein forms G485V.
Identifiers: ClinVar variation 856516 (VCV000856516.10), dbSNP rs1743352233, ClinGen allele CA360274142.
Genomic context (GRCh38, chr5:80,728,851, plus strand): 5'-TTTTTAATTTGATTAATTTAAAAGAATTTTTATAACAAGTTAATATATTCTGTTTTCTAG[G>T]TTCTCAAATTATTTCTGGCATTGTTAACTTAGAGAAGCCTGTGATTTGCTCTTTGGCTGC-3'
Protein context (NP_002430.3, residues 475-495): FYAKDTVDIK[Gly485Val]SQIISGIVNL